The following is an entry in ClinVar:

ClinVar aggregate classification (germline): Likely benign (1 of 4 stars; one submission).

Allele frequency attached by ClinVar (database versions not stated): ESP Exome Variant Server 0.00016; TOPMed 0.00018; gnomAD 0.00054; gnomAD exomes 0.00067; ExAC 0.00127; 1000 Genomes Project 30x 0.00312; 1000 Genomes Project 0.00379.
gnomAD v4.1: 1,090 of 1,614,136 alleles (0.068%); highest among the groups gnomAD compares: Middle Eastern, 1.5%; 24 homozygotes.

Submission:

CeGaT Center for Human Genetics Tuebingen
Classification: Likely benign. Last evaluated: 2024-01-01. Review status: criteria provided, single submitter. Criteria: CeGaT Center For Human Genetics Tuebingen Variant Classification Criteria Version 2. Collection method: clinical testing. Allele origin: germline. Affected: yes. Observed: 1 variant allele.
Comment: ABCC5: BS2

NM_005688.4(ABCC5):c.3203A>G (p.Asn1068Ser)

Gene: ABCC5 (ATP binding cassette subfamily C member 5; minus strand). Cytogenetic location: 3q27.1.
Variant type: single nucleotide variant.
Coding change: c.3203A>G on transcript NM_005688.4 (MANE Select); coding-DNA position 3203, A replaced by G.
Protein change: p.Asn1068Ser; replaces asparagine 1068 with serine.
Molecular consequence: missense variant.
Genome position (GRCh38, 1-based): chr3:183,949,777, T>C on the plus strand (A>G on the coding strand, the complement: ABCC5 is on the minus strand). VCF-style: chr3-183949777-T-C. GRCh37 (hg19) VCF-style: chr3-183667565-T-C.
Other names: c.1787A>G, p.Asn596Ser (NM_001320032.2); short protein forms N1068S, N596S.
Identifiers: ClinVar variation 3025280 (VCV003025280.22), dbSNP rs28365015, ClinGen allele CA2724065.
Genomic context (GRCh38, chr3:183,949,777, plus strand): 5'-TCCCCTTTGAGGCCTCTAGCCCCCATCAGGACAAACCTGTGCAGAAACTCCTGCCCTTTA[T>C]TGTAGGCGTGGATGGTGGCAAGGCCCTGTATGCTGGACGTGATGTGGGAGAGGAAAGGTG-3'
Protein context (NP_005679.2, residues 1058-1078): IQGLATIHAY[Asn1068Ser]KGQEFLHRYQ